The following is an entry in ClinVar:

NM_005228.5(EGFR):c.394C>A (p.Leu132Met)

Gene: EGFR (epidermal growth factor receptor; plus strand). Cytogenetic location: 7p11.2.
Variant type: single nucleotide variant.
Coding change: c.394C>A on transcript NM_005228.5 (MANE Select); coding-DNA position 394, C replaced by A.
Protein change: p.Leu132Met; replaces leucine 132 with methionine.
Molecular consequence: missense variant. On other transcripts: intron variant (1).
Genome position (GRCh38, 1-based): chr7:55,143,458, C>A. VCF-style: chr7-55143458-C-A. GRCh37 (hg19) VCF-style: chr7-55211151-C-A.
Other names: c.394C>A, p.Leu132Met (NM_001346897.2, NM_001346898.2, NM_001346899.2 and 3 more transcripts); c.235C>A, p.Leu79Met (NM_001346900.2); c.89-12372C>A (NM_001346941.2); short protein forms L132M, L79M.
Identifiers: ClinVar variation 1987853 (VCV001987853.5), dbSNP rs2128927517, ClinGen allele CA367575951.

ClinVar aggregate classification (germline): Uncertain significance. Review status: criteria provided, multiple submitters, no conflicts (2 of 4 stars). 2 submissions from 2 submitters: Uncertain significance (2). Last evaluated 2025-09-03.

Conditions:
Hereditary cancer-predisposing syndrome. Also called: Tumor predisposition; Hereditary Cancer Syndrome; Hereditary neoplastic syndrome; Neoplastic Syndromes, Hereditary. Identifiers: Orphanet 140162, MedGen C0027672, MeSH D009386, MONDO:0015356.
EGFR-related lung cancer (EGFR). Identifiers: MedGen CN130014.

Submissions (2):

Ambry Genetics
Classification: Uncertain significance for Hereditary cancer-predisposing syndrome. Last evaluated: 2025-09-03. Review status: criteria provided, single submitter. Criteria: Ambry Variant Classification Scheme 2023. Collection method: clinical testing. Allele origin: germline.
Comment: The p.L132M variant (also known as c.394C>A), located in coding exon 3 of the EGFR gene, results from a C to A substitution at nucleotide position 394. The leucine at codon 132 is replaced by methionine, an amino acid with highly similar properties. This amino acid position is not well conserved in available vertebrate species. In addition, this alteration is predicted to be tolerated by in silico analysis. Based on the available evidence, the clinical significance of this variant remains unclear.

Labcorp Genetics (formerly Invitae), Labcorp
Classification: Uncertain significance for EGFR-related lung cancer. Last evaluated: 2022-04-21. Review status: criteria provided, single submitter. Criteria: Invitae Variant Classification Sherloc (09022015). Collection method: clinical testing. Allele origin: germline.
Comment: This variant has not been reported in the literature in individuals affected with EGFR-related conditions. In summary, the available evidence is currently insufficient to determine the role of this variant in disease. Therefore, it has been classified as a Variant of Uncertain Significance. Algorithms developed to predict the effect of missense changes on protein structure and function (SIFT, PolyPhen-2, Align-GVGD) all suggest that this variant is likely to be tolerated. This variant is not present in population databases (gnomAD no frequency). This sequence change replaces leucine, which is neutral and non-polar, with methionine, which is neutral and non-polar, at codon 132 of the EGFR protein (p.Leu132Met).